The following is an entry in ClinVar:

ClinVar aggregate classification (germline): Uncertain significance (1 of 4 stars; one submission).

Conditions:
Spermatogenic failure 18. Identifiers: MedGen C4539783, MONDO:0054615, OMIM 617576.
Ciliary dyskinesia, primary, 37 (CILD37). Also called: CILIARY DYSKINESIA, PRIMARY, 37, WITH OR WITHOUT SITUS INVERSUS. Identifiers: MedGen C4539798, MONDO:0033204, OMIM 617577.

Allele frequency attached by ClinVar (database versions not stated): ExAC 0.00002; gnomAD 0.00002; gnomAD exomes 0.00002; TOPMed 0.00003.
gnomAD v4.1: 35 of 1,612,642 alleles (0.0022%); highest among the groups gnomAD compares: Admixed American, 0.01%; no homozygotes.

Submission:

Labcorp Genetics (formerly Invitae), Labcorp
Classification: Uncertain significance for Ciliary dyskinesia, primary, 37; Spermatogenic failure 18. Last evaluated: 2022-06-22. Review status: criteria provided, single submitter. Criteria: Invitae Variant Classification Sherloc (09022015). Collection method: clinical testing. Allele origin: germline.
Comment: This sequence change replaces serine, which is neutral and polar, with leucine, which is neutral and non-polar, at codon 3578 of the DNAH1 protein (p.Ser3578Leu). This variant is present in population databases (rs766811915, gnomAD 0.01%). In summary, the available evidence is currently insufficient to determine the role of this variant in disease. Therefore, it has been classified as a Variant of Uncertain Significance. Algorithms developed to predict the effect of missense changes on protein structure and function are either unavailable or do not agree on the potential impact of this missense change (SIFT: "Deleterious"; PolyPhen-2: "Possibly Damaging"; Align-GVGD: "Class C0"). ClinVar contains an entry for this variant (Variation ID: 544622). This variant has not been reported in the literature in individuals affected with DNAH1-related conditions.

NM_015512.5(DNAH1):c.10733C>T (p.Ser3578Leu)

Gene: DNAH1 (dynein axonemal heavy chain 1; plus strand). Cytogenetic location: 3p21.1.
Variant type: single nucleotide variant.
Coding change: c.10733C>T on transcript NM_015512.5 (MANE Select); coding-DNA position 10733, C replaced by T.
Protein change: p.Ser3578Leu; replaces serine 3578 with leucine.
Molecular consequence: missense variant.
Genome position (GRCh38, 1-based): chr3:52,394,571, C>T. VCF-style: chr3-52394571-C-T. GRCh37 (hg19) VCF-style: chr3-52428587-C-T.
Other names: short protein forms S3578L.
Identifiers: ClinVar variation 544622 (VCV000544622.6), dbSNP rs766811915, ClinGen allele CA2435935.
Genomic context (GRCh38, chr3:52,394,571, plus strand): 5'-CTGAGAATCCGGCACCGGACTGGCTGTCAGACCGGGCTTGGCGAGACATCCTAGCACTCT[C>T]GAACCTGCCAACCTTTTCCTCCTTCTCTTCCGACTTCGTGAAGCACCTCTCAGAATTCCG-3'
Protein context (NP_056327.4, residues 3568-3588): DRAWRDILAL[Ser3578Leu]NLPTFSSFSS